The following is an entry in ClinVar:

NM_014324.6(AMACR):c.662C>T (p.Thr221Met)

Genes: AMACR (alpha-methylacyl-CoA racemase; minus strand), C1QTNF3-AMACR (C1QTNF3-AMACR readthrough (NMD candidate); minus strand). Cytogenetic location: 5p13.2.
Variant type: single nucleotide variant.
Coding change: c.662C>T on transcript NM_014324.6 (MANE Select); coding-DNA position 662, C replaced by T.
Protein change: p.Thr221Met; replaces threonine 221 with methionine.
Molecular consequence: missense variant. On other transcripts: non-coding transcript variant (1), synonymous variant (1).
Genome position (GRCh38, 1-based): chr5:33,998,718, G>A on the plus strand (C>T on the coding strand, the complement: AMACR is on the minus strand). VCF-style: chr5-33998718-G-A. GRCh37 (hg19) VCF-style: chr5-33998823-G-A.
Other names: c.662C>T, p.Thr221Met (NM_001167595.2); c.501C>T, p.Tyr167= (NM_203382.3); short protein forms T221M.
Identifiers: ClinVar variation 597933 (VCV000597933.8), dbSNP rs573730345, ClinGen allele CA3226147.

ClinVar aggregate classification (germline): Uncertain significance. Review status: criteria provided, multiple submitters, no conflicts (2 of 4 stars). 3 submissions from 3 submitters: Uncertain significance (3). Last evaluated 2024-11-13.

Conditions:
Alpha-methylacyl-CoA racemase deficiency (AMACRD). Also called: AMACR deficiency. Identifiers: Orphanet 79095, MedGen C3280428, MONDO:0013681, OMIM 614307. Disease mechanism: loss of function.

Allele frequency attached by ClinVar (database versions not stated): gnomAD exomes 0.00004 and 0.00005; ExAC 0.00005; gnomAD 0.00008; TOPMed 0.00008; 1000 Genomes Project 30x 0.00016; 1000 Genomes Project 0.00020.

Submissions (3):

Blueprint Genetics
Classification: Uncertain significance. Last evaluated: 2024-11-13. Review status: criteria provided, single submitter. Criteria: ACMG Guidelines, 2015. Collection method: clinical testing. Allele origin: germline.

Labcorp Genetics (formerly Invitae), Labcorp
Classification: Uncertain significance for Alpha-methylacyl-CoA racemase deficiency. Last evaluated: 2022-09-13. Review status: criteria provided, single submitter. Criteria: Invitae Variant Classification Sherloc (09022015). Collection method: clinical testing. Allele origin: germline.
Comment: This sequence change replaces threonine, which is neutral and polar, with methionine, which is neutral and non-polar, at codon 221 of the AMACR protein (p.Thr221Met). This variant is present in population databases (rs573730345, gnomAD 0.01%). This variant has not been reported in the literature in individuals affected with AMACR-related conditions. ClinVar contains an entry for this variant (Variation ID: 597933). Advanced modeling of protein sequence and biophysical properties (such as structural, functional, and spatial information, amino acid conservation, physicochemical variation, residue mobility, and thermodynamic stability) performed at Invitae indicates that this missense variant is not expected to disrupt AMACR protein function. In summary, the available evidence is currently insufficient to determine the role of this variant in disease. Therefore, it has been classified as a Variant of Uncertain Significance.

Eurofins Ntd Llc (ga)
Classification: Uncertain significance. Last evaluated: 2018-07-05. Review status: criteria provided, single submitter. Criteria: EGL ClinVar v180209 classification definitions. Collection method: clinical testing. Allele origin: germline. Observed: 1 variant allele, 1 heterozygote.